The following is an entry in ClinVar:

NM_005141.5(FGB):c.958+5C>T

Gene: FGB (fibrinogen beta chain; plus strand). Cytogenetic location: 4q31.3.
Variant type: single nucleotide variant.
Coding change: c.958+5C>T on transcript NM_005141.5 (MANE Select); 5 bases into the intron after coding-DNA position 958, C replaced by T.
Molecular consequence: intron variant.
Genome position (GRCh38, 1-based): chr4:154,569,312, C>T. VCF-style: chr4-154569312-C-T. GRCh37 (hg19) VCF-style: chr4-155490464-C-T.
Other names: c.781+5C>T (NM_001184741.1); c.958+5C>T (NM_001382761.1, NM_001382760.1, NM_001382765.1 and 1 more transcripts); c.949+5C>T (NM_001382763.1); c.746-289C>T (NM_001382762.1); c.826+5C>T (NM_001382759.1).
Identifiers: ClinVar variation 3711275 (VCV003711275.2).

ClinVar aggregate classification (germline): Uncertain significance (1 of 4 stars; one submission).

gnomAD v4.1: 20 of 1,613,678 alleles (0.0012%); highest among the groups gnomAD compares: South Asian, 0.0088%; no homozygotes.

Submission:

Labcorp Genetics (formerly Invitae), Labcorp
Classification: Uncertain significance. Last evaluated: 2024-10-10. Review status: criteria provided, single submitter. Criteria: Invitae Variant Classification Sherloc (09022015). Collection method: clinical testing. Allele origin: germline.
Comment: This sequence change falls in intron 6 of the FGB gene. It does not directly change the encoded amino acid sequence of the FGB protein. It affects a nucleotide within the consensus splice site. This variant is present in population databases (rs373671940, gnomAD 0.007%). This variant has not been reported in the literature in individuals affected with FGB-related conditions. Variants that disrupt the consensus splice site are a relatively common cause of aberrant splicing (PMID: 17576681, 9536098). Algorithms developed to predict the effect of sequence changes on RNA splicing suggest that this variant is not likely to affect RNA splicing. In summary, the available evidence is currently insufficient to determine the role of this variant in disease. Therefore, it has been classified as a Variant of Uncertain Significance.

Literature cited by the submitters: PubMed 17576681; PubMed 9536098.